The following is an entry in ClinVar:

ClinVar aggregate classification (germline): Likely benign. Review status: criteria provided, single submitter (1 of 4 stars). 3 submissions from 3 submitters: Likely benign (1). 2 of the submissions do not count toward it. Last evaluated 2023-08-16.

Conditions:
SLC25A13-related disorder. Also called: SLC25A13-related condition.
Citrin deficiency. Identifiers: Orphanet 247582, MedGen C1997910, MONDO:0016602.
Adult-onset citrullinemia type I. Also called: Late-onset citrullinemia. Identifiers: Orphanet 247573, MedGen C0268546, MONDO:0016601.

Allele frequency attached by ClinVar (database versions not stated): gnomAD exomes 0.00001; gnomAD 0.00002; TOPMed 0.00008.
gnomAD v4.1: 8 of 1,614,034 alleles (0.0005%); highest among the groups gnomAD compares: Admixed American, 0.01%; no homozygotes.

Submissions (3):

Labcorp Genetics (formerly Invitae), Labcorp
Classification: Likely benign for Citrin deficiency. Last evaluated: 2023-08-16. Review status: criteria provided, single submitter. Criteria: Invitae Variant Classification Sherloc (09022015). Collection method: clinical testing. Allele origin: germline.

PreventionGenetics, part of Exact Sciences
Classification: Likely benign for SLC25A13-related condition. Last evaluated: 2023-05-22. Review status: no assertion criteria provided. Collection method: clinical testing. Allele origin: germline. Not counted in ClinVar's aggregate classification.
Comment: This variant is classified as likely benign based on ACMG/AMP sequence variant interpretation guidelines (Richards et al. 2015 PMID: 25741868, with internal and published modifications).

Natera, Inc.
Classification: Uncertain significance for Late-onset citrullinemia. Last evaluated: 2020-03-11. Review status: no assertion criteria provided. Collection method: clinical testing. Allele origin: germline. Not counted in ClinVar's aggregate classification.

NM_014251.3(SLC25A13):c.1344T>C (p.Pro448=)

Gene: SLC25A13 (solute carrier family 25 member 13; minus strand). Cytogenetic location: 7q21.3.
Variant type: single nucleotide variant.
Coding change: c.1344T>C on transcript NM_014251.3 (MANE Select); coding-DNA position 1344, T replaced by C.
Protein change: p.Pro448=; no amino-acid change (proline 448 retained).
Molecular consequence: synonymous variant. On other transcripts: non-coding transcript variant (1).
Genome position (GRCh38, 1-based): chr7:96,146,664, A>G on the plus strand (T>C on the coding strand, the complement: SLC25A13 is on the minus strand). VCF-style: chr7-96146664-A-G. GRCh37 (hg19) VCF-style: chr7-95775976-A-G.
Other names: c.1347T>C, p.Pro449= (NM_001160210.2).
Identifiers: ClinVar variation 766612 (VCV000766612.11), dbSNP rs1037190907, ClinGen allele CA162969057.